The following is an entry in ClinVar:

NM_000133.4(F9):c.196G>A (p.Glu66Lys)

Gene: F9 (coagulation factor IX; plus strand). Cytogenetic location: Xq27.1.
Variant type: single nucleotide variant.
Coding change: c.196G>A on transcript NM_000133.4 (MANE Select); coding-DNA position 196, G replaced by A.
Protein change: p.Glu66Lys; replaces glutamic acid 66 with lysine.
Molecular consequence: missense variant.
Genome position (GRCh38, 1-based): chrX:139,537,117, G>A. VCF-style: chrX-139537117-G-A. GRCh37 (hg19) VCF-style: chrX-138619276-G-A.
Other names: NM_000133.4(F9):c.196G>A; c.196G>A, p.Glu66Lys (NM_001313913.2); short protein forms E66K.
Identifiers: ClinVar variation 618643 (VCV000618643.10), dbSNP rs1569481975, ClinGen allele CA414435972.

ClinVar aggregate classification (germline): Likely pathogenic. Review status: reviewed by expert panel (3 of 4 stars). 3 submissions from 3 submitters: Likely pathogenic (1). 2 of the submissions do not count toward it. Last evaluated 2026-04-10.

Conditions:
Hereditary factor IX deficiency disease (HEMB). Also called: F9 DEFICIENCY; FACTOR IX DEFICIENCY; PLASMA THROMBOPLASTIN COMPONENT DEFICIENCY; Hemophilia B; Christmas Disease. Identifiers: Orphanet 98879, MedGen C0008533, MeSH D002836, MONDO:0010604, OMIM 306900.

Submissions (3):

ClinGen Coagulation Factor Deficiency Variant Curation Expert Panel, Clingen
Classification: Likely pathogenic for Hereditary factor IX deficiency disease. Last evaluated: 2026-04-10. Review status: reviewed by expert panel. Criteria: ClinGen CoagFactor ACMG Specifications F9 V2.1.0. Collection method: curation. Allele origin: germline. Inheritance: X-linked inheritance.
Comment: The NM_000133.4(F9):c.196G>A; p.Glu66Lys variant is a missense variant in F9 that is absent from from gnomAD v4.1.0 (PM2_Supporting) and is predicted to have a deleterious effect (REVEL score of 0.939; PP3). The variant has been observed in at least one proband in the literature with mild hemophilia B (PMID:29296726, 2 points PP4; PP4_Moderate). Another missense variant (c.198A>T, p.Glu66Asp, CAID:CA414435987) in the same codon has been classified as pathogenic for hemophilia B by the ClinGen Coagulation Factor Deficiency VCEP meeting PM5. In summary, this variant meets the criteria to be classified as likely pathogenic for hemophilia B. ACMG/AMP criteria applied, as specified by the Coagulation Factor Deficiency Variant Curation Expert Panel (specifications version 2.0.1) for F9: PP4_Moderate, PM5, PM2_Supporting, PP3.

Women's Health and Genetics/Laboratory Corporation of America, LabCorp
Classification: Likely pathogenic for Hereditary factor IX deficiency disease. Last evaluated: 2024-06-26. Review status: criteria provided, single submitter. Criteria: LabCorp Variant Classification Summary - May 2015. Collection method: clinical testing. Allele origin: germline. Not counted in ClinVar's aggregate classification.
Comment: Variant summary: F9 c.196G>A (p.Glu66Lys) results in a conservative amino acid change located in the Gamma-carboxyglutamic acid-rich (GLA) domain (IPR000294) of the encoded protein sequence. Four of five in-silico tools predict a damaging effect of the variant on protein function. The variant was absent in 183027 control chromosomes. c.196G>A has been reported in the literature and the EAHAD database in an unknown zygosity in at least 2 individuals affected with Factor IX Deficiency (Hemophilia B) (example, Johnsen_2017, NO_PMID). These data indicate that the variant may be associated with disease. To our knowledge, no experimental evidence demonstrating an impact on protein function has been reported. Additionally, 2 different missense variants at this codon were found to be pathogenic by our laboratory (p.Glu66Val, p.Glu66Asp) based on reported individuals affected with hemophilia B (PMID: 34880139, 34880139, 22639855, 7937052). This suggests the p.Glu66 amino acid residue is likely critical for protein function. The following publications have been ascertained in the context of this evaluation (PMID: 29296726, NO_PMID). ClinVar contains an entry for this variant (Variation ID: 618643). Based on the evidence outlined above, the variant was classified as likely pathogenic.

ARUP Laboratories, Molecular Genetics and Genomics, ARUP Laboratories
Classification: Uncertain significance. Last evaluated: 2017-12-15. Review status: criteria provided, single submitter. Criteria: ARUP Molecular Germline Variant Investigation Process. Collection method: clinical testing. Allele origin: germline. Not counted in ClinVar's aggregate classification.

Literature cited by the submitters: PubMed 29296726 (cited by Women's Health and Genetics/Laboratory Corporation of America, LabCorp).